The following is an entry in ClinVar:

ClinVar aggregate classification (germline): Conflicting classifications of pathogenicity. Review status: criteria provided, conflicting classifications (1 of 4 stars). 5 submissions from 5 submitters: Likely pathogenic (3); Uncertain significance (1). 1 of the submissions does not count toward it. Last evaluated 2025-12-17.

Conditions:
Multiple sulfatase deficiency (MSD). Also called: Mucosulfatidosis; Multiple Sulfatase Deficiency Disease; Sulfatidosis, Juvenile, Austin Type. Identifiers: Orphanet 585, MedGen C0268263, MONDO:0010088, OMIM 272200.

Allele frequency attached by ClinVar (database versions not stated): ExAC 0.00001; gnomAD exomes below 0.00001.
gnomAD v4.1: 4 of 1,614,052 alleles (0.00025%); highest among the groups gnomAD compares: South Asian, 0.0044%; no homozygotes.

Submissions (5):

Natera, Inc.
Classification: Likely pathogenic for Multiple sulfatase deficiency. Last evaluated: 2025-12-17. Review status: criteria provided, single submitter. Criteria: Natera Variant Classification Schema (03/2026). Collection method: clinical testing. Allele origin: germline.
Comment: The c.536G>C variant in SUMF1 is a missense variant predicted to cause substitution of tryptophan to serine at amino acid 179. This variant is rare in the general population with a frequency below the threshold expected for the associated phenotype(s). This variant has been observed in one or more individuals affected with the associated recessive disease, as either homozygous or compound heterozygous with a second variant (PMID: 18157819, 37597066, 39640476). Functional studies show that this variant may disrupt protein function (PMID: 18157819). Computational prediction algorithms indicate this variant is likely to affect gene or protein function. Given the available evidence, this variant is classified as Likely Pathogenic.

Fulgent Genetics
Classification: Likely pathogenic for Multiple sulfatase deficiency. Last evaluated: 2024-04-17. Review status: criteria provided, single submitter. Criteria: ACMG Guidelines, 2015. Collection method: clinical testing. Allele origin: germline.

Women's Health and Genetics/Laboratory Corporation of America, LabCorp
Classification: Likely pathogenic for Multiple sulfatase deficiency. Last evaluated: 2023-11-08. Review status: criteria provided, single submitter. Criteria: LabCorp Variant Classification Summary - May 2015. Collection method: clinical testing. Allele origin: germline.
Comment: Variant summary: SUMF1 c.536G>C (p.Trp179Ser) results in a non-conservative amino acid change located in the Sulfatase-modifying factor enzyme domain (IPR005532) of the encoded protein sequence. Five of five in-silico tools predict a damaging effect of the variant on protein function. The variant allele was found at a frequency of 4e-06 in 251222 control chromosomes (gnomAD). c.536G>C has been reported in the literature in individuals affected with Multiple Sulfatase Deficiency (Dierks_2005, Schlotawa_2008, Adang_2020). These data indicate that the variant may be associated with disease. Functional studies report experimental evidence evaluating an impact on protein function. The most pronounced variant effect results in <10% of normal activity (Schlotawa_2008, Adang_2020). The following publications have been ascertained in the context of this evaluation (PMID: 32749716, 17657823, 19124046, 15907468, 16368756, 21224894, 18157819, 36959582). One submitter has cited clinical-significance assessments for this variant to ClinVar after 2014 and has classified the variant as uncertain significance. Based on the evidence outlined above, the variant was classified as likely pathogenic.

3billion
Classification: Uncertain significance for Multiple sulfatase deficiency. Last evaluated: 2022-09-01. Review status: criteria provided, single submitter. Criteria: ACMG Guidelines, 2015. Collection method: clinical testing. Allele origin: germline. Affected: yes. Observed: 1 homozygote.
Comment: The variant is observed at an extremely low frequency in the gnomAD v2.1.1 dataset (total allele frequency: <0.001%). In silico tool predictions suggest damaging effect of the variant on gene or gene product (REVEL: 0.91; 3Cnet: 1.00). This variant has been reported to have a damaging effect on substrate binding of the FGly-generating enzyme (FGE) encoded by SUMF1 (PMID: 15907468). Therefore, this variant is classified as uncertain significance according to the recommendation of ACMG/AMP guideline.

Hong-Tao Li Lab, Institute of Brain Science and Brain-inspired Research, Shandong First Medical University & Shandong Academy of Medical Sciences China
Classification: Uncertain significance for Multiple sulfatase deficiency. Review status: no assertion criteria provided. Collection method: research. Allele origin: germline. Inheritance: Autosomal recessive inheritance. Affected: yes. Observed: 1 variant allele, 1 homozygote. Not counted in ClinVar's aggregate classification.
Comment: Observed in affected individuals from a Pakistani neurodevelopmental-disorder research cohort of 263 individuals. Classification assigned using the ACMG/AMP framework. Population-frequency evidence: gnomAD AF 3.981e-06.

Literature cited by the submitters: PubMed 18157819 (cited by Natera, Inc. and Women's Health and Genetics/Laboratory Corporation of America, LabCorp); PubMed 37597066 (cited by Natera, Inc.); PubMed 39640476 (cited by Natera, Inc.); PubMed 21224894 (cited by Women's Health and Genetics/Laboratory Corporation of America, LabCorp); PubMed 15907468 (cited by Women's Health and Genetics/Laboratory Corporation of America, LabCorp and 3billion); PubMed 32749716 (cited by Women's Health and Genetics/Laboratory Corporation of America, LabCorp); PubMed 17657823 (cited by Women's Health and Genetics/Laboratory Corporation of America, LabCorp); PubMed 19124046 (cited by Women's Health and Genetics/Laboratory Corporation of America, LabCorp); PubMed 16368756 (cited by Women's Health and Genetics/Laboratory Corporation of America, LabCorp); PubMed 36959582 (cited by Women's Health and Genetics/Laboratory Corporation of America, LabCorp).

NM_182760.4(SUMF1):c.536G>C (p.Trp179Ser)

Gene: SUMF1 (sulfatase modifying factor 1; minus strand). Cytogenetic location: 3p26.1.
Variant type: single nucleotide variant.
Coding change: c.536G>C on transcript NM_182760.4 (MANE Select); coding-DNA position 536, G replaced by C.
Protein change: p.Trp179Ser; replaces tryptophan 179 with serine.
Molecular consequence: missense variant.
Genome position (GRCh38, 1-based): chr3:4,420,130, C>G on the plus strand (G>C on the coding strand, the complement: SUMF1 is on the minus strand). VCF-style: chr3-4420130-C-G. GRCh37 (hg19) VCF-style: chr3-4461814-C-G.
Other names: c.461G>C, p.Trp154Ser (NM_001164674.2); c.536G>C, p.Trp179Ser (NM_001164675.2); c.536G>C (NM_182760.3); short protein forms W154S, W179S.
Identifiers: ClinVar variation 1705576 (VCV001705576.5), dbSNP rs757323641, ClinGen allele CA2230557.